The following is an entry in ClinVar:

NM_006231.4(POLE):c.1042T>G (p.Phe348Val)

Gene: POLE (DNA polymerase epsilon, catalytic subunit; minus strand). Cytogenetic location: 12q24.33.
Variant type: single nucleotide variant.
Coding change: c.1042T>G on transcript NM_006231.4 (MANE Select); coding-DNA position 1042, T replaced by G.
Protein change: p.Phe348Val; replaces phenylalanine 348 with valine.
Molecular consequence: missense variant.
Genome position (GRCh38, 1-based): chr12:132,675,799, A>C on the plus strand (T>G on the coding strand, the complement: POLE is on the minus strand). VCF-style: chr12-132675799-A-C. GRCh37 (hg19) VCF-style: chr12-133252385-A-C.
Other names: short protein forms F348V.
Identifiers: ClinVar variation 1038399 (VCV001038399.8), dbSNP rs2043037086, ClinGen allele CA387361742.

ClinVar aggregate classification (germline): Uncertain significance (1 of 4 stars; one submission).

Submission:

Labcorp Genetics (formerly Invitae), Labcorp
Classification: Uncertain significance. Last evaluated: 2021-07-16. Review status: criteria provided, single submitter. Criteria: Invitae Variant Classification Sherloc (09022015). Collection method: clinical testing. Allele origin: germline.
Comment: In summary, the available evidence is currently insufficient to determine the role of this variant in disease. Therefore, it has been classified as a Variant of Uncertain Significance. Algorithms developed to predict the effect of sequence changes on RNA splicing suggest that this variant may create or strengthen a splice site, but this prediction has not been confirmed by published transcriptional studies. Algorithms developed to predict the effect of missense changes on protein structure and function are either unavailable or do not agree on the potential impact of this missense change (SIFT: "Deleterious"; PolyPhen-2: "Probably Damaging"; Align-GVGD: "Class C0"). This variant has not been reported in the literature in individuals with POLE-related conditions. This variant is not present in population databases (ExAC no frequency). This sequence change replaces phenylalanine with valine at codon 348 of the POLE protein (p.Phe348Val). The phenylalanine residue is highly conserved and there is a small physicochemical difference between phenylalanine and valine.